The following is an entry in ClinVar:

NM_000051.4(ATM):c.2575A>G (p.Asn859Asp)

Gene: ATM (ATM serine/threonine kinase; plus strand). Cytogenetic location: 11q22.3.
Variant type: single nucleotide variant.
Coding change: c.2575A>G on transcript NM_000051.4 (MANE Select); coding-DNA position 2575, A replaced by G.
Protein change: p.Asn859Asp; replaces asparagine 859 with aspartic acid.
Molecular consequence: missense variant.
Genome position (GRCh38, 1-based): chr11:108,267,279, A>G. VCF-style: chr11-108267279-A-G. GRCh37 (hg19) VCF-style: chr11-108138006-A-G.
Other names: c.2575A>G, p.Asn859Asp (NM_001351834.2); short protein forms N859D.
Identifiers: ClinVar variation 2124223 (VCV002124223.4), dbSNP rs2135508148, ClinGen allele CA382543887.
Genomic context (GRCh38, chr11:108,267,279, plus strand): 5'-GAAGATGATACTAATGGAAATCTAATGGAGGTGGAGGATCAGTCATCCATGAATCTATTT[A>G]ACGATTACCCTGATAGTAGTGTTAGTGATGCAAACGAACCTGGAGAGAGCCAAAGTACCA-3'
Protein context (NP_000042.3, residues 849-869): VEDQSSMNLF[Asn859Asp]DYPDSSVSDA

ClinVar aggregate classification (germline): Uncertain significance (1 of 4 stars; one submission).

Conditions:
Ataxia-telangiectasia syndrome (AT). Also called: Cerebello-oculocutaneous telangiectasia; Immunodeficiency with ataxia telangiectasia; Ataxia-telangiectasia, complementation group D; Ataxia telangiectasia (A-T); ATAXIA-TELANGIECTASIA, COMPLEMENTATION GROUP A; ATAXIA-TELANGIECTASIA, FRESNO VARIANT. Identifiers: Orphanet 100, MedGen C0004135, MONDO:0008840, OMIM 208900.

Submission:

Labcorp Genetics (formerly Invitae), Labcorp
Classification: Uncertain significance for Ataxia-telangiectasia syndrome. Last evaluated: 2022-04-10. Review status: criteria provided, single submitter. Criteria: Invitae Variant Classification Sherloc (09022015). Collection method: clinical testing. Allele origin: germline.
Comment: Advanced modeling of protein sequence and biophysical properties (such as structural, functional, and spatial information, amino acid conservation, physicochemical variation, residue mobility, and thermodynamic stability) performed at Invitae indicates that this missense variant is not expected to disrupt ATM protein function. This variant has not been reported in the literature in individuals affected with ATM-related conditions. This variant is not present in population databases (gnomAD no frequency). This sequence change replaces asparagine, which is neutral and polar, with aspartic acid, which is acidic and polar, at codon 859 of the ATM protein (p.Asn859Asp). In summary, the available evidence is currently insufficient to determine the role of this variant in disease. Therefore, it has been classified as a Variant of Uncertain Significance.